The following is an entry in ClinVar:

NM_000101.4(CYBA):c.288-15C>G

Gene: CYBA (cytochrome b-245 alpha chain; minus strand). Cytogenetic location: 16q24.2.
Variant type: single nucleotide variant.
Coding change: c.288-15C>G on transcript NM_000101.4 (MANE Select); 15 bases into the intron before coding-DNA position 288, C replaced by G.
Molecular consequence: intron variant.
Genome position (GRCh38, 1-based): chr16:88,646,212, G>C on the plus strand (C>G on the coding strand, the complement: CYBA is on the minus strand). VCF-style: chr16-88646212-G-C. GRCh37 (hg19) VCF-style: chr16-88712620-G-C.
Identifiers: ClinVar variation 619029 (VCV000619029.3), dbSNP rs1567608853, ClinGen allele CA913190816.

ClinVar aggregate classification (germline): Pathogenic (1 of 4 stars; one submission).

Conditions:
Granulomatous disease, chronic, autosomal recessive, cytochrome b-negative. Also called: GRANULOMATOUS DISEASE, CHRONIC, AUTOSOMAL RECESSIVE, 4; CGD DUE TO DEFICIENCY OF THE ALPHA SUBUNIT OF CYTOCHROME b; CGD, AUTOSOMAL RECESSIVE CYTOCHROME b-NEGATIVE; CYBA DEFICIENCY; Chronic granulomatous disease, autosomal, due to deficiency of CYBA. Identifiers: Orphanet 379, MedGen C1856255, MONDO:0009308, OMIM 233690.

gnomAD v4.1: 1 of 1,546,084 alleles (0.000065%); highest among the groups gnomAD compares: Non-Finnish European, 0.000087%; no homozygotes.

Submission:

Blood Cell Research, Sanquin
Classification: Pathogenic for Granulomatous disease, chronic, autosomal recessive, cytochrome b-negative. Last evaluated: 2019-02-19. Review status: criteria provided, single submitter. Criteria: Submitter's publication. Collection method: clinical testing. Allele origin: germline. Inheritance: Autosomal recessive inheritance. Affected: yes. Observed: 1 compound heterozygote.
Comment: Apparently, this variation created a cryptic splice site that was preferred over the original acceptor splice site, because cDNA analysis showed inclusion of 14 nucleotides from intron 4 (hg19 g.chr16:88712619-88712606) into the mRNA. This mutation predicts p.Leu97ArgfsTer94.

Literature cited by the submitters: PMC 4568122.